The following is an entry in ClinVar:

ClinVar aggregate classification (germline): Likely pathogenic (1 of 4 stars; one submission).

Allele frequency attached by ClinVar (database versions not stated): gnomAD exomes below 0.00001; TOPMed below 0.00001; ExAC 0.00001; gnomAD 0.00001.

Submission:

GeneDx
Classification: Likely pathogenic. Last evaluated: 2024-06-14. Review status: criteria provided, single submitter. Criteria: GeneDx Variant Classification Process June 2021. Collection method: clinical testing. Allele origin: germline. Affected: yes.
Comment: Canonical splice site variant expected to result in aberrant splicing, although in the absence of functional evidence the actual effect of this sequence change is unknown.; Not observed at significant frequency in large population cohorts (gnomAD); Has not been previously published as pathogenic or benign to our knowledge

NM_000503.6(EYA1):c.202_203insTTAC (p.Ala68fs)

Gene: EYA1 (EYA transcriptional coactivator and phosphatase 1; minus strand). Cytogenetic location: 8q13.3.
Variant type: Insertion.
Coding change: c.202_203insTTAC on transcript NM_000503.6 (MANE Select); coding-DNA positions 202 to 203, TTAC inserted.
Protein change: p.Ala68fs; shifts the reading frame from alanine 68.
Molecular consequence: frameshift variant. On other transcripts: 5 prime UTR variant (1).
Genome position: GRCh38 VCF-style: chr8-71334096-C-CGTAA. GRCh37 (hg19) VCF-style: chr8-72246331-C-CGTAA.
Other names: c.202_203insTTAC, p.Ala68fs (NM_001288574.2, NM_001370334.1, NM_001370335.1 and 1 more transcripts); c.-83_-82insTTAC (NM_001288575.2); c.289_290insTTAC, p.Ala97fs (NM_001370333.1, NM_001370336.1, NM_172059.5); c.103_103+1insTTAC, p.Ala35(?) (NM_001411797.1, NM_172060.4); short protein forms A68fs, A97fs.
Identifiers: ClinVar variation 2136168 (VCV002136168.4), dbSNP rs746650457, ClinGen allele CA4779863.